The following is an entry in ClinVar:

ClinVar aggregate classification (germline): Conflicting classifications of pathogenicity. Review status: criteria provided, conflicting classifications (1 of 4 stars). 4 submissions from 4 submitters: Uncertain significance (1); Likely benign (3). Last evaluated 2025-11-07.

Conditions:
Hereditary cancer-predisposing syndrome. Also called: Neoplastic Syndromes, Hereditary; Hereditary Cancer Syndrome; Tumor predisposition; Hereditary neoplastic syndrome. Identifiers: Orphanet 140162, MedGen C0027672, MeSH D009386, MONDO:0015356.

Allele frequency attached by ClinVar (database versions not stated): gnomAD exomes below 0.00001.
gnomAD v4.1: 5 of 1,611,506 alleles (0.00031%); highest among the groups gnomAD compares: East Asian, 0.0022%; no homozygotes.

Submissions (4):

Quest Diagnostics Nichols Institute San Juan Capistrano
Classification: Uncertain significance. Last evaluated: 2025-11-07. Review status: criteria provided, single submitter. Criteria: Quest Diagnostics criteria. Collection method: clinical testing. Allele origin: unknown.
Comment: The RAD50 c.642G>A (p.Lys214=) synonymous variant has not been reported in individuals with RAD50-related conditions in the published literature. The frequency of this variant in the general population (Genome Aggregation Database) is uninformative in the assessment of its pathogenicity. Analysis of this variant using software algorithms for the prediction of the effect of nucleotide changes on splicing yielded predictions that this variant does not affect RAD50 mRNA splicing. Based on the available information, we are unable to determine the clinical significance of this variant.

CeGaT Center for Human Genetics Tuebingen
Classification: Likely benign. Last evaluated: 2024-04-01. Review status: criteria provided, single submitter. Criteria: CeGaT Center For Human Genetics Tuebingen Variant Classification Criteria Version 2. Collection method: clinical testing. Allele origin: germline. Affected: yes. Observed: 1 variant allele.
Comment: RAD50: BP4, BP7

Labcorp Genetics (formerly Invitae), Labcorp
Classification: Likely benign for Hereditary cancer-predisposing syndrome. Last evaluated: 2023-10-04. Review status: criteria provided, single submitter. Criteria: Invitae Variant Classification Sherloc (09022015). Collection method: clinical testing. Allele origin: germline.

Ambry Genetics
Classification: Likely benign for Hereditary cancer-predisposing syndrome. Last evaluated: 2020-06-11. Review status: criteria provided, single submitter. Criteria: Ambry Variant Classification Scheme 2023. Collection method: clinical testing. Allele origin: germline.

NM_005732.4(RAD50):c.642G>A (p.Lys214=)

Gene: RAD50 (RAD50 double strand break repair protein; plus strand). Cytogenetic location: 5q31.1.
Variant type: single nucleotide variant.
Coding change: c.642G>A on transcript NM_005732.4 (MANE Select); coding-DNA position 642, G replaced by A.
Protein change: p.Lys214=; no amino-acid change (lysine 214 retained).
Molecular consequence: synonymous variant.
Genome position (GRCh38, 1-based): chr5:132,579,952, G>A. VCF-style: chr5-132579952-G-A. GRCh37 (hg19) VCF-style: chr5-131915644-G-A.
Identifiers: ClinVar variation 220034 (VCV000220034.34), dbSNP rs864622354, ClinGen allele CA349649.